The following is an entry in ClinVar:

NM_182914.3(SYNE2):c.10201G>C (p.Glu3401Gln)

Gene: SYNE2 (spectrin repeat containing nuclear envelope protein 2; plus strand). Cytogenetic location: 14q23.2.
Variant type: single nucleotide variant.
Coding change: c.10201G>C on transcript NM_182914.3 (MANE Select); coding-DNA position 10201, G replaced by C.
Protein change: p.Glu3401Gln; replaces glutamic acid 3401 with glutamine.
Molecular consequence: missense variant.
Genome position (GRCh38, 1-based): chr14:64,062,884, G>C. VCF-style: chr14-64062884-G-C. GRCh37 (hg19) VCF-style: chr14-64529602-G-C.
Other names: c.10201G>C, p.Glu3401Gln (NM_015180.6); short protein forms E3401Q.
Identifiers: ClinVar variation 1003036 (VCV001003036.8), dbSNP rs935239194, ClinGen allele CA261846270.

ClinVar aggregate classification (germline): Uncertain significance (1 of 4 stars; one submission).

Conditions:
Emery-Dreifuss muscular dystrophy 5, autosomal dominant (EDMD5). Also called: EMERY-DREIFUSS MUSCULAR DYSTROPHY 5. Identifiers: Orphanet 261, MedGen C2751805, MONDO:0013072, OMIM 612999.

Allele frequency attached by ClinVar (database versions not stated): TOPMed below 0.00001; gnomAD 0.00001.
gnomAD v4.1: 2 of 1,613,998 alleles (0.00012%); highest among the groups gnomAD compares: African/African-American, 0.0027%; no homozygotes.

Submission:

Labcorp Genetics (formerly Invitae), Labcorp
Classification: Uncertain significance for Emery-Dreifuss muscular dystrophy 5, autosomal dominant. Last evaluated: 2020-03-12. Review status: criteria provided, single submitter. Criteria: Invitae Variant Classification Sherloc (09022015). Collection method: clinical testing. Allele origin: germline.
Comment: In summary, the available evidence is currently insufficient to determine the role of this variant in disease. Therefore, it has been classified as a Variant of Uncertain Significance. Algorithms developed to predict the effect of missense changes on protein structure and function are either unavailable or do not agree on the potential impact of this missense change (SIFT: "Tolerated"; PolyPhen-2: "Probably Damaging"; Align-GVGD: "Class C0"). This variant has not been reported in the literature in individuals with SYNE2-related conditions. This variant is not present in population databases (ExAC no frequency). This sequence change replaces glutamic acid with glutamine at codon 3401 of the SYNE2 protein (p.Glu3401Gln). The glutamic acid residue is weakly conserved and there is a small physicochemical difference between glutamic acid and glutamine.